The following is an entry in ClinVar:

ClinVar aggregate classification (germline): Pathogenic (1 of 4 stars; one submission).

Conditions:
Peutz-Jeghers syndrome (PJS). Also called: POLYPOSIS, HAMARTOMATOUS INTESTINAL; POLYPS-AND-SPOTS SYNDROME; Peutz-Jeghers polyposis; Periorificial lentiginosis syndrome. Identifiers: Orphanet 2869, MedGen C0031269, MeSH D010580, MONDO:0008280, OMIM 175200.

Submission:

Labcorp Genetics (formerly Invitae), Labcorp
Classification: Pathogenic for Peutz-Jeghers syndrome. Last evaluated: 2022-10-27. Review status: criteria provided, single submitter. Criteria: Invitae Variant Classification Sherloc (09022015). Collection method: clinical testing. Allele origin: unknown.
Comment: For these reasons, this variant has been classified as Pathogenic. This variant disrupts a region of the STK11 protein in which other variant(s) (p.Leu67Pro) have been determined to be pathogenic (PMID: 9428765, 9837816, 9887330, 10441497, 11389158, 15987703). This suggests that this is a clinically significant region of the protein, and that variants that disrupt it are likely to be disease-causing. Studies have shown that this variant results in partial skipping of exon 1 and introduces a premature termination codon (Invitae). The resulting mRNA is expected to undergo nonsense-mediated decay. This variant has not been reported in the literature in individuals affected with STK11-related conditions. This variant results in the deletion of part of exon 1 (c.160_291-2949delinsA) of the STK11 gene. RNA analysis indicates that this variant induces altered splicing and may result in an absent or disrupted protein product.

Literature cited by the submitters: PubMed 9428765; PubMed 9837816; PubMed 9887330; PubMed 10441497; PubMed 11389158; PubMed 15987703.

NC_000019.9:g.(?_1207072)_(1215467_?)del

Gene: STK11 (serine/threonine kinase 11; plus strand). Cytogenetic location: 19p13.3.
Variant type: Deletion.
Identifiers: ClinVar variation 3248419 (VCV003248419.1).